The following is an entry in ClinVar:

NM_133459.4(CCBE1):c.401-29T>C

Gene: CCBE1 (collagen and calcium binding EGF domains 1; minus strand). Cytogenetic location: 18q21.32.
Variant type: single nucleotide variant.
Coding change: c.401-29T>C on transcript NM_133459.4 (MANE Select); 29 bases into the intron before coding-DNA position 401, T replaced by C.
Molecular consequence: intron variant.
Genome position (GRCh38, 1-based): chr18:59,466,920, A>G on the plus strand (T>C on the coding strand, the complement: CCBE1 is on the minus strand). VCF-style: chr18-59466920-A-G. GRCh37 (hg19) VCF-style: chr18-57134152-A-G.
Other names: c.401-29T>C (LRG_1209t1).
Identifiers: ClinVar variation 262353 (VCV000262353.9), dbSNP rs4940876, ClinGen allele CA8980505.
Genomic context (GRCh38, chr18:59,466,920, plus strand): 5'-CGTCCCATTGCTGCTGGCACACTCATCAATATCTGGTTTGAACCAAATGTAGAGAATACT[A>G]AGTTTCTGAGAATTCACTTCTAATACAACAGATGACATTGGGCTTTGCCTCTCTGTTAAT-3'

ClinVar aggregate classification (germline): Benign. Review status: criteria provided, multiple submitters, no conflicts (2 of 4 stars). 5 submissions from 5 submitters: Benign (5). Last evaluated 2024-01-24.

Conditions:
Hennekam lymphangiectasia-lymphedema syndrome 1 (HKLLS1). Also called: LYMPHATIC DYSPLASIA, GENERALIZED. Identifiers: Orphanet 2136, MedGen C4012050, MONDO:0009337, OMIM 235510.

Allele frequency attached by ClinVar (database versions not stated): 1000 Genomes Project 30x 0.95378; ESP Exome Variant Server 0.95410; TOPMed 0.95572; 1000 Genomes Project 0.95627; gnomAD 0.95824 and 0.96117; ExAC 0.98729; gnomAD exomes 0.98926 and 0.99592.
gnomAD v4.1: 1,586,651 of 1,598,734 alleles (99%); highest among the groups gnomAD compares: East Asian, 100%; 787,955 homozygotes.

Submissions (5):

Unidad de Genómica Garrahan, Hospital de Pediatría Garrahan
Classification: Benign. Last evaluated: 2024-01-24. Review status: criteria provided, single submitter. Criteria: ACMG Guidelines, 2015. Collection method: clinical testing. Allele origin: germline. Affected: no. Observed: 95 variant alleles.
Comment: This variant is classified as Benign based on local population frequency. This variant was detected in 100% of patients studied by a panel of primary immunodeficiencies. Number of patients: 95. Only high quality variants are reported.

Genome-Nilou Lab
Classification: Benign for Hennekam lymphangiectasia-lymphedema syndrome 1. Last evaluated: 2021-07-14. Review status: criteria provided, single submitter. Criteria: ACMG Guidelines, 2015. Collection method: clinical testing. Allele origin: germline. Affected: no.

GeneDx
Classification: Benign. Last evaluated: 2018-11-10. Review status: criteria provided, single submitter. Criteria: GeneDx Variant Classification Process June 2021. Collection method: clinical testing. Allele origin: germline. Affected: yes.

Breakthrough Genomics
Classification: Benign. Review status: criteria provided, single submitter. Criteria: ACMG Guidelines, 2015. Collection method: not provided. Allele origin: germline. Inheritance: Autosomal recessive inheritance. Affected: yes.

PreventionGenetics, part of Exact Sciences
Classification: Benign. Review status: criteria provided, single submitter. Criteria: ACMG Guidelines, 2015. Collection method: clinical testing. Allele origin: germline.